The following is an entry in ClinVar:

NM_017654.4(SAMD9):c.4668T>G (p.Ala1556=)

Gene: SAMD9 (sterile alpha motif domain containing 9; minus strand). Cytogenetic location: 7q21.2.
Variant type: single nucleotide variant.
Coding change: c.4668T>G on transcript NM_017654.4 (MANE Select); coding-DNA position 4668, T replaced by G.
Protein change: p.Ala1556=; no amino-acid change (alanine 1556 retained).
Molecular consequence: synonymous variant.
Genome position (GRCh38, 1-based): chr7:93,101,430, A>C on the plus strand (T>G on the coding strand, the complement: SAMD9 is on the minus strand). VCF-style: chr7-93101430-A-C. GRCh37 (hg19) VCF-style: chr7-92730743-A-C.
Other names: c.4668T>G (NM_017654.3); c.4668T>G, p.Ala1556= (NM_001193307.2).
Identifiers: ClinVar variation 2783200 (VCV002783200.6), dbSNP rs779614042, ClinGen allele CA4342512.

ClinVar aggregate classification (germline): Likely benign. Review status: criteria provided, multiple submitters, no conflicts (2 of 4 stars). 3 submissions from 3 submitters: Likely benign (2). 1 of the submissions does not count toward it. Last evaluated 2025-01-08.

Conditions:
SAMD9-related disorder. Also called: SAMD9-related condition.
Inborn genetic diseases. Identifiers: MedGen C0950123, MeSH D030342.

Allele frequency attached by ClinVar (database versions not stated): ExAC 0.00001.
gnomAD v4.1: 52 of 1,613,710 alleles (0.0032%); highest among the groups gnomAD compares: Non-Finnish European, 0.0042%; no homozygotes.

Submissions (3):

Ambry Genetics
Classification: Likely benign for Inborn genetic diseases. Last evaluated: 2025-01-08. Review status: criteria provided, single submitter. Criteria: Ambry Variant Classification Scheme 2023. Collection method: clinical testing. Allele origin: germline.

Labcorp Genetics (formerly Invitae), Labcorp
Classification: Likely benign. Last evaluated: 2023-10-18. Review status: criteria provided, single submitter. Criteria: Invitae Variant Classification Sherloc (09022015). Collection method: clinical testing. Allele origin: germline.

PreventionGenetics, part of Exact Sciences
Classification: Likely benign for SAMD9-related condition. Last evaluated: 2020-06-18. Review status: no assertion criteria provided. Collection method: clinical testing. Allele origin: germline. Not counted in ClinVar's aggregate classification.
Comment: This variant is classified as likely benign based on ACMG/AMP sequence variant interpretation guidelines (Richards et al. 2015 PMID: 25741868, with internal and published modifications).